The following is an entry in ClinVar:

ClinVar aggregate classification (germline): Likely benign (0 of 4 stars; one submission).

Conditions:
PIEZO1-related disorder. Also called: PIEZO1-related condition; PIEZO1-Related Disorders.

Submission:

PreventionGenetics, part of Exact Sciences
Classification: Likely benign for PIEZO1-related condition. Last evaluated: 2022-04-15. Review status: no assertion criteria provided. Collection method: clinical testing. Allele origin: germline.
Comment: This variant is classified as likely benign based on ACMG/AMP sequence variant interpretation guidelines (Richards et al. 2015 PMID: 25741868, with internal and published modifications).

NM_001142864.4(PIEZO1):c.1731C>T (p.Ala577=)

Genes: HSALR1 (HSP90AB1 associated lncRNA 1; plus strand), PIEZO1 (piezo type mechanosensitive ion channel component 1 (Er blood group); minus strand). Cytogenetic location: 16q24.3.
Variant type: single nucleotide variant.
Coding change: c.1731C>T on transcript NM_001142864.4 (MANE Select); coding-DNA position 1731, C replaced by T.
Protein change: p.Ala577=; no amino-acid change (alanine 577 retained).
Molecular consequence: synonymous variant.
Genome position (GRCh38, 1-based): chr16:88,734,992, G>A on the plus strand (C>T on the coding strand, the complement: PIEZO1 is on the minus strand). VCF-style: chr16-88734992-G-A. GRCh37 (hg19) VCF-style: chr16-88801400-G-A.
Other names: c.276C>T, p.Ala92= (NM_014745.1).
Identifiers: ClinVar variation 3050490 (VCV003050490.2), dbSNP rs937924203, ClinGen allele CA286424994.